The following is an entry in ClinVar:

NM_000048.4(ASL):c.406del (p.Leu136fs)

Gene: ASL (argininosuccinate lyase; plus strand). Cytogenetic location: 7q11.21.
Variant type: Deletion.
Coding change: c.406del on transcript NM_000048.4 (MANE Select); coding-DNA position 406, one base deleted (C; older notation c.406delC).
Protein change: p.Leu136fs; shifts the reading frame from leucine 136.
Molecular consequence: frameshift variant.
Genome position (GRCh38, 1-based): chr7:66,083,134, C deleted; the last of 2 consecutive C bases (chr7:66,083,133-66,083,134); deleting either gives the same sequence. VCF-style (leftmost placement, unchanged base first): chr7-66083132-TC-T. GRCh37 (hg19) VCF-style: chr7-65548119-TC-T.
Other names: c.406del, p.Leu136fs (NM_001024943.2, NM_001024944.2, NM_001024946.2); short protein forms L136fs.
Identifiers: ClinVar variation 2102465 (VCV002102465.4), dbSNP rs2484998286, ClinGen allele CA2580077306.
Genomic context (GRCh38, chr7:66,083,132, plus strand): 5'-CACAGGTGGTCACAGACCTCAGGCTGTGGATGCGGCAGACCTGCTCCACGCTCTCGGGCC[TC>T]CTCTGGGAGCTCATTAGGACCATGGTGGATCGGGCAGAGGCGTGAGTCCTACAGGGACAC-3'

ClinVar aggregate classification (germline): Pathogenic (1 of 4 stars; one submission).

Conditions:
Argininosuccinate lyase deficiency. Also called: ARGININOSUCCINIC ACID LYASE DEFICIENCY; ASL DEFICIENCY; Argininosuccinic aciduria. Identifiers: Orphanet 23, MedGen C0268547, MONDO:0008815, OMIM 207900, HP:0025630.

Submission:

Labcorp Genetics (formerly Invitae), Labcorp
Classification: Pathogenic for Argininosuccinate lyase deficiency. Last evaluated: 2022-02-23. Review status: criteria provided, single submitter. Criteria: Invitae Variant Classification Sherloc (09022015). Collection method: clinical testing. Allele origin: germline.
Comment: This variant has not been reported in the literature in individuals affected with ASL-related conditions. For these reasons, this variant has been classified as Pathogenic. This variant is not present in population databases (gnomAD no frequency). This sequence change creates a premature translational stop signal (p.Leu136Serfs*39) in the ASL gene. It is expected to result in an absent or disrupted protein product. Loss-of-function variants in ASL are known to be pathogenic (PMID: 2263616, 24166829).

Literature cited by the submitters: PubMed 2263616; PubMed 24166829.